The following is an entry in ClinVar:

ClinVar aggregate classification (germline): Uncertain significance (0 of 4 stars; one submission).

Conditions:
Polycystic kidney disease. Also called: Polycystic kidney dysplasia; Kidney, Polycystic. Identifiers: MedGen C0022680, MeSH D007690, MONDO:0020642, HP:0000113.

Submission:

Department of Pathology and Laboratory Medicine, Sinai Health System
Classification: Uncertain significance for Polycystic Kidney disease. Review status: no assertion criteria provided. Collection method: clinical testing. Allele origin: unknown. Affected: yes. Study: The Canadian Open Genetics Repository (COGR).
Comment: The PKD2 c.710-3C>G variant was not identified in the literature nor was it identified in the following databases: dbSNP, ClinVar, LOVD3.0, ADPKD-MD, ADPKD-LOVD2.0, the Exome Aggregation Consortium (August 8th 2016) or the Genome Aggregation Database (Feb 27, 2017). The c.710-3C>G variant is located in the 3' splice region but does not affect the invariant -1 and -2 positions. However, positions -3 and -5 to -12 are part of the splicing consensus sequence and variants involving these positions sometimes affect splicing and 4 out of 4 in silico or computational prediction software programs (SpliceSiteFinder, MaxEntScan, NNSPLICE, GeneSplicer) predict a greater than 10% difference in splicing. In summary, based on the above information, the clinical significance of this variant cannot be determined with certainty at this time. This variant is classified as a variant of uncertain significance.

NM_000297.4(PKD2):c.710-3C>G

Gene: PKD2 (polycystin 2, transient receptor potential cation channel; plus strand). Cytogenetic location: 4q22.1.
Variant type: single nucleotide variant.
Coding change: c.710-3C>G on transcript NM_000297.4 (MANE Select); 3 bases into the intron before coding-DNA position 710, C replaced by G.
Molecular consequence: intron variant.
Genome position (GRCh38, 1-based): chr4:88,036,217, C>G. VCF-style: chr4-88036217-C-G. GRCh37 (hg19) VCF-style: chr4-88957369-C-G.
Identifiers: ClinVar variation 997336 (VCV000997336.1), dbSNP rs1727324496, ClinGen allele CA1474574893.